The following is an entry in ClinVar:

ClinVar aggregate classification (germline): Uncertain significance (1 of 4 stars; one submission).

Conditions:
Familial hypercholesterolemia. Also called: Familial hypercholesterolemias; Familial hypercholesterolaemia. Identifiers: MedGen C0020445, MONDO:0005439.

Allele frequency attached by ClinVar (database versions not stated): gnomAD 0.00001; gnomAD exomes 0.00001; TOPMed below 0.00001.

Submission:

MVZ Dr. Eberhard & Partner Dortmund
Classification: Uncertain significance for Familial hypercholesterolemia. Last evaluated: 2023-05-17. Review status: criteria provided, single submitter. Criteria: ACMG Guidelines, 2015. Collection method: clinical testing. Allele origin: unknown. Observed: 1 variant allele.
Comment: This variant was absent from literature, variant databases and control databases. Because of insufficient evidence this variant was classified as variant of uncertain significance.

NM_174936.3(PCSK9):c.-308A>G

Gene: PCSK9 (proprotein convertase subtilisin/kexin type 9; plus strand). Cytogenetic location: 1p32.3.
Variant type: single nucleotide variant.
Coding change: c.-308A>G on transcript NM_174936.3; 308 bases upstream of the start codon, A replaced by G.
Genome position (GRCh38, 1-based): chr1:55,039,530, A>G. VCF-style: chr1-55039530-A-G. GRCh37 (hg19) VCF-style: chr1-55505203-A-G.
Identifiers: ClinVar variation 2775408 (VCV002775408.2), dbSNP rs1644581051, ClinGen allele CA1001927740.